The following is an entry in ClinVar:

NM_001089.3(ABCA3):c.3238C>G (p.Pro1080Ala)

Gene: ABCA3 (ATP binding cassette subfamily A member 3; minus strand). Cytogenetic location: 16p13.3.
Variant type: single nucleotide variant.
Coding change: c.3238C>G on transcript NM_001089.3 (MANE Select); coding-DNA position 3238, C replaced by G.
Protein change: p.Pro1080Ala; replaces proline 1080 with alanine.
Molecular consequence: missense variant.
Genome position (GRCh38, 1-based): chr16:2,286,734, G>C on the plus strand (C>G on the coding strand, the complement: ABCA3 is on the minus strand). VCF-style: chr16-2286734-G-C. GRCh37 (hg19) VCF-style: chr16-2336735-G-C.
Other names: short protein forms P1080A.
Identifiers: ClinVar variation 3671761 (VCV003671761.2).
Genomic context (GRCh38, chr16:2,286,734, plus strand): 5'-GGGACGGGCAGTGCACATACTCGTTAAACTGGTCCTTGGCAGCCTGCAGGGCGCTCCGGG[G>C]CTGGGGGAAGTTGGAGACCACAATGGAGGCGTGAGGCCCGCACAGCAGCTTGAACAGAAG-3'
Protein context (NP_001080.2, residues 1070-1090): ASIVVSNFPQ[Pro1080Ala]RSALQAAKDQ

ClinVar aggregate classification (germline): Uncertain significance (1 of 4 stars; one submission).

Submission:

Labcorp Genetics (formerly Invitae), Labcorp
Classification: Uncertain significance. Last evaluated: 2024-04-01. Review status: criteria provided, single submitter. Criteria: Invitae Variant Classification Sherloc (09022015). Collection method: clinical testing. Allele origin: germline.
Comment: This sequence change replaces proline, which is neutral and non-polar, with alanine, which is neutral and non-polar, at codon 1080 of the ABCA3 protein (p.Pro1080Ala). This variant is not present in population databases (gnomAD no frequency). This variant has not been reported in the literature in individuals affected with ABCA3-related conditions. Advanced modeling of protein sequence and biophysical properties (such as structural, functional, and spatial information, amino acid conservation, physicochemical variation, residue mobility, and thermodynamic stability) has been performed at Invitae for this missense variant, however the output from this modeling did not meet the statistical confidence thresholds required to predict the impact of this variant on ABCA3 protein function. In summary, the available evidence is currently insufficient to determine the role of this variant in disease. Therefore, it has been classified as a Variant of Uncertain Significance.